The following is an entry in ClinVar:

NM_013447.4(ADGRE2):c.205_207del (p.Asn69del)

Gene: ADGRE2 (adhesion G protein-coupled receptor E2; minus strand). Cytogenetic location: 19p13.12.
Variant type: Deletion.
Coding change: c.205_207del on transcript NM_013447.4 (MANE Select); coding-DNA positions 205 to 207, 3 bases deleted (AAC; older notation c.205_207delAAC).
Protein change: p.Asn69del; deletes asparagine 69.
Molecular consequence: inframe deletion. On other transcripts: inframe indel (2).
Genome position (GRCh38, 1-based): chr19:14,772,490-14,772,492, GTT deleted on the plus strand (AAC on the coding strand, the reverse complement: ADGRE2 is on the minus strand); deleting any 3 consecutive bases within chr19:14,772,490-14,772,493 gives the same sequence; the c. name uses the placement nearest the transcript's 3' end. VCF-style (leftmost placement, unchanged base first): chr19-14772489-CGTT-C. GRCh37 (hg19) VCF-style: chr19-14883301-CGTT-C.
Other names: c.205_207del, p.Asn69del (NM_001271052.1); c.204_206delCAA, p.Asn69del (NM_152916.2, NM_152917.2); short protein forms N69del.
Identifiers: ClinVar variation 1901428 (VCV001901428.5), dbSNP rs763092581, ClinGen allele CA9258243.

ClinVar aggregate classification (germline): Uncertain significance (1 of 4 stars; one submission).

Submission:

Labcorp Genetics (formerly Invitae), Labcorp
Classification: Uncertain significance. Last evaluated: 2024-06-05. Review status: criteria provided, single submitter. Criteria: Invitae Variant Classification Sherloc (09022015). Collection method: clinical testing. Allele origin: germline.
Comment: This variant, c.205_207del, results in the deletion of 1 amino acid(s) of the ADGRE2 protein (p.Asn69del), but otherwise preserves the integrity of the reading frame. This variant is present in population databases (rs763092581, gnomAD 0.06%). This variant has not been reported in the literature in individuals affected with ADGRE2-related conditions. ClinVar contains an entry for this variant (Variation ID: 1901428). Experimental studies and prediction algorithms are not available or were not evaluated, and the functional significance of this variant is currently unknown. In summary, the available evidence is currently insufficient to determine the role of this variant in disease. Therefore, it has been classified as a Variant of Uncertain Significance.